The following is an entry in ClinVar:

NM_001103.4(ACTN2):c.1678C>T (p.Gln560Ter)

Gene: ACTN2 (actinin alpha 2; plus strand). Cytogenetic location: 1q43.
Variant type: single nucleotide variant.
Coding change: c.1678C>T on transcript NM_001103.4 (MANE Select); coding-DNA position 1678, C replaced by T.
Protein change: p.Gln560Ter; replaces glutamine 560 with a stop codon.
Molecular consequence: nonsense. On other transcripts: non-coding transcript variant (1).
Genome position (GRCh38, 1-based): chr1:236,751,491, C>T. VCF-style: chr1-236751491-C-T. GRCh37 (hg19) VCF-style: chr1-236914791-C-T.
Other names: c.1678C>T, p.Gln560Ter (NM_001278343.2); short protein forms Q560*.
Identifiers: ClinVar variation 4884814 (VCV004884814.1).

ClinVar aggregate classification (germline): Likely pathogenic (0 of 4 stars; one submission).

Conditions:
Myopathy, congenital, with structured cores and z-line abnormalities. Also called: MULTIPLE STRUCTURED CORE DISEASE; CONGENITAL MYOPATHY 8. Identifiers: MedGen C5231445, MONDO:0032852, OMIM 618654.

Submission:

Hong-Tao Li Lab, Institute of Brain Science and Brain-inspired Research, Shandong First Medical University & Shandong Academy of Medical Sciences China
Classification: Likely pathogenic for Myopathy, congenital, with structured cores and z-line abnormalities. Review status: no assertion criteria provided. Collection method: research. Allele origin: germline. Inheritance: Autosomal dominant inheritance. Affected: yes. Observed: 1 variant allele, 1 heterozygote.
Comment: Observed in affected individuals from a Pakistani neurodevelopmental-disorder research cohort of 263 individuals. Classification assigned using the ACMG/AMP framework.